The following is an entry in ClinVar:

NM_002778.4(PSAP):c.847G>C (p.Val283Leu)

Gene: PSAP (prosaposin; minus strand). Cytogenetic location: 10q22.1.
Variant type: single nucleotide variant.
Coding change: c.847G>C on transcript NM_002778.4 (MANE Select); coding-DNA position 847, G replaced by C.
Protein change: p.Val283Leu; replaces valine 283 with leucine.
Molecular consequence: missense variant.
Genome position (GRCh38, 1-based): chr10:71,821,938, C>G on the plus strand (G>C on the coding strand, the complement: PSAP is on the minus strand). VCF-style: chr10-71821938-C-G. GRCh37 (hg19) VCF-style: chr10-73581695-C-G.
Other names: c.856G>C, p.Val286Leu (NM_001042465.3); c.853G>C, p.Val285Leu (NM_001042466.3); short protein forms V285L, V286L, V283L.
Identifiers: ClinVar variation 2177350 (VCV002177350.1), dbSNP rs769402755, ClinGen allele CA5547593.

ClinVar aggregate classification (germline): Uncertain significance (1 of 4 stars; one submission).

Conditions:
Sphingolipid activator protein 1 deficiency. Also called: Saposin B Deficiency; METACHROMATIC LEUKODYSTROPHY DUE TO CEREBROSIDE SULFATASE ACTIVATOR DEFICIENCY; Metachromatic leukodystrophy due to saposin B deficiency. Identifiers: Orphanet 512, MedGen C0268262, MONDO:0009590, OMIM 249900.

Allele frequency attached by ClinVar (database versions not stated): ExAC 0.00001; TOPMed 0.00002; gnomAD 0.00003.

Submission:

Labcorp Genetics (formerly Invitae), Labcorp
Classification: Uncertain significance for Sphingolipid activator protein 1 deficiency. Last evaluated: 2022-08-09. Review status: criteria provided, single submitter. Criteria: Invitae Variant Classification Sherloc (09022015). Collection method: clinical testing. Allele origin: germline.
Comment: This sequence change replaces valine, which is neutral and non-polar, with leucine, which is neutral and non-polar, at codon 283 of the PSAP protein (p.Val283Leu). This variant is present in population databases (rs769402755, gnomAD 0.007%). This variant has not been reported in the literature in individuals affected with PSAP-related conditions. Algorithms developed to predict the effect of missense changes on protein structure and function are either unavailable or do not agree on the potential impact of this missense change (SIFT: "Not Available"; PolyPhen-2: "Benign"; Align-GVGD: "Not Available"). In summary, the available evidence is currently insufficient to determine the role of this variant in disease. Therefore, it has been classified as a Variant of Uncertain Significance.